The following is an entry in ClinVar:

NM_000161.3(GCH1):c.*677G>A

Gene: GCH1 (GTP cyclohydrolase 1; minus strand). Cytogenetic location: 14q22.2.
Variant type: single nucleotide variant.
Coding change: c.*677G>A on transcript NM_000161.3 (MANE Select); 677 bases downstream of the stop codon, G replaced by A.
Molecular consequence: 3 prime UTR variant. On other transcripts: intron variant (3).
Genome position (GRCh38, 1-based): chr14:54,843,340, C>T on the plus strand (G>A on the coding strand, the complement: GCH1 is on the minus strand). VCF-style: chr14-54843340-C-T. GRCh37 (hg19) VCF-style: chr14-55310058-C-T.
Other names: c.627-286G>A (NM_001024071.2); c.*13-286G>A (NM_001024070.2); c.*17-286G>A (NM_001024024.2).
Identifiers: ClinVar variation 882875 (VCV000882875.7), dbSNP rs10136966, ClinGen allele CA14030724.

ClinVar aggregate classification (germline): Benign/Likely benign. Review status: criteria provided, multiple submitters, no conflicts (2 of 4 stars). 3 submissions from 2 submitters: Benign (2); Likely benign (1). Last evaluated 2018-06-26.

Conditions:
GTP cyclohydrolase I deficiency. Identifiers: MedGen C0268467, MONDO:0100184.
Dystonia 5 (DRD). Also called: GTP Cyclohydrolase 1-Deficient Dopa-Responsive Dystonia; Dystonia, DOPA-responsive, with or without hyperphenylalaninemia; DYSTONIA, PROGRESSIVE, WITH DIURNAL VARIATION; DYSTONIA-PARKINSONISM WITH DIURNAL FLUCTUATION; DYT-GCH1. Identifiers: Orphanet 98808, MedGen C1851920, MONDO:0007495, OMIM 128230.

Allele frequency attached by ClinVar (database versions not stated): 1000 Genomes Project 30x 0.00609; 1000 Genomes Project 0.00639; TOPMed 0.00710.
gnomAD v4.1: 1,641 of 1,291,384 alleles (0.13%); highest among the groups gnomAD compares: African/African-American, 2.2%; 17 homozygotes.

Submissions (3):

GeneDx
Classification: Likely benign. Last evaluated: 2018-06-26. Review status: criteria provided, single submitter. Criteria: GeneDx Variant Classification Process June 2021. Collection method: clinical testing. Allele origin: germline. Affected: yes.

Illumina Laboratory Services, Illumina
Classification: Benign for Dystonia 5. Last evaluated: 2018-01-12. Review status: criteria provided, single submitter. Criteria: ICSL Variant Classification Criteria 13 December 2019. Collection method: clinical testing. Allele origin: germline.
Comment: This variant was observed in the ICSL laboratory as part of a predisposition screen in an ostensibly healthy population. It had not been previously curated by ICSL or reported in the Human Gene Mutation Database (HGMD: prior to June 1st, 2018), and was therefore a candidate for classification through an automated scoring system. Utilizing variant allele frequency, disease prevalence and penetrance estimates, and inheritance mode, an automated score was calculated to assess if this variant is too frequent to cause the disease. Based on the score and internal cut-off values, a variant classified as benign is not then subjected to further curation. The score for this variant resulted in a classification of benign for this disease.

Illumina Laboratory Services, Illumina
Classification: Benign for GTP cyclohydrolase I deficiency with hyperphenylalaninemia. Last evaluated: 2018-01-12. Review status: criteria provided, single submitter. Criteria: ICSL Variant Classification Criteria 13 December 2019. Collection method: clinical testing. Allele origin: germline.
Comment: the same text as in the submission from Illumina Laboratory Services, Illumina above.